The following is an entry in ClinVar:

NM_001164508.2(NEB):c.16625A>G (p.His5542Arg)

Gene: NEB (nebulin; minus strand). Cytogenetic location: 2q23.3.
Variant type: single nucleotide variant.
Coding change: c.16625A>G on transcript NM_001164508.2 (MANE Select); coding-DNA position 16625, A replaced by G.
Protein change: p.His5542Arg; replaces histidine 5542 with arginine.
Molecular consequence: missense variant. On other transcripts: intron variant (1).
Genome position (GRCh38, 1-based): chr2:151,579,417, T>C on the plus strand (A>G on the coding strand, the complement: NEB is on the minus strand). VCF-style: chr2-151579417-T-C. GRCh37 (hg19) VCF-style: chr2-152435931-T-C.
Other names: c.16625A>G, p.His5542Arg (NM_001164507.2, NM_001271208.2); c.11602-3063A>G (NM_004543.5); short protein forms H5542R.
Identifiers: ClinVar variation 1030245 (VCV001030245.4), dbSNP rs773955783, ClinGen allele CA1908413.
Genomic context (GRCh38, chr2:151,579,417, plus strand): 5'-GCTTTCCTGGCTTGGATCACATCATTCTGGTCGGGAAAGCAAGACCAGCGGTGCAGGTAA[T>C]GGCGATAGTCCACATCACTTGCCAGTGCCTGACCTTCTTTGGCAGCGCTGATGGACACCA-3'
Protein context (NP_001157980.2, residues 5532-5552): QALASDVDYR[His5542Arg]YLHRWSCFPD

ClinVar aggregate classification (germline): Uncertain significance. Review status: criteria provided, multiple submitters, no conflicts (2 of 4 stars). 2 submissions from 2 submitters: Uncertain significance (2). Last evaluated 2020-02-03.

Conditions:
Nemaline myopathy 2 (NEM2). Also called: Nemaline myopathy 2, autosomal recessive. Identifiers: MedGen C1850569, MONDO:0009725, OMIM 256030.

Allele frequency attached by ClinVar (database versions not stated): gnomAD 0.00006 and 0.00008; gnomAD exomes 0.00011 and 0.00017; ExAC 0.00032.
gnomAD v4.1: 177 of 1,531,194 alleles (0.012%); highest among the groups gnomAD compares: Non-Finnish European, 0.0044%; 2 homozygotes.

Submissions (2):

Baylor Genetics
Classification: Uncertain significance for Nemaline myopathy 2. Last evaluated: 2020-02-03. Review status: criteria provided, single submitter. Criteria: ACMG Guidelines, 2015. Collection method: clinical testing. Allele origin: unknown. Affected: yes.
Comment: This variant was determined to be of uncertain significance according to ACMG Guidelines, 2015 [PMID:25741868].

Revvity Omics, Revvity
Classification: Uncertain significance. Last evaluated: 2019-08-23. Review status: criteria provided, single submitter. Criteria: ACMG Guidelines, 2015. Collection method: clinical testing. Allele origin: germline.